The following is an entry in ClinVar:

NM_000059.4(BRCA2):c.2424A>T (p.Glu808Asp)

Gene: BRCA2 (BRCA2 DNA repair associated; plus strand). Cytogenetic location: 13q13.1.
Variant type: single nucleotide variant.
Coding change: c.2424A>T on transcript NM_000059.4 (MANE Select); coding-DNA position 2424, A replaced by T.
Protein change: p.Glu808Asp; replaces glutamic acid 808 with aspartic acid.
Molecular consequence: missense variant.
Genome position (GRCh38, 1-based): chr13:32,336,779, A>T. VCF-style: chr13-32336779-A-T. GRCh37 (hg19) VCF-style: chr13-32910916-A-T.
Other names: short protein forms E808D.
Identifiers: ClinVar variation 941130 (VCV000941130.11), dbSNP rs55646808, ClinGen allele CA247502219.

ClinVar aggregate classification (germline): Conflicting classifications of pathogenicity. Review status: criteria provided, conflicting classifications (1 of 4 stars). 4 submissions from 4 submitters: Uncertain significance (3); Likely benign (1). Last evaluated 2026-04-06.

Conditions:
BRCA2-related cancer predisposition. Identifiers: MedGen CN377758, MONDO:0700269.
Hereditary cancer-predisposing syndrome. Also called: Hereditary Cancer Syndrome; Neoplastic Syndromes, Hereditary; Tumor predisposition; Hereditary neoplastic syndrome. Identifiers: Orphanet 140162, MedGen C0027672, MeSH D009386, MONDO:0015356.
Hereditary breast ovarian cancer syndrome. Also called: Hereditary breast and ovarian cancer syndrome (HBOC); Hereditary breast and/or ovarian cancer syndrome; BRCA1- and BRCA2-Associated Hereditary Breast and Ovarian Cancer; Hereditary breast and ovarian cancer; Breast and ovarian cancer; Hereditary breast and ovarian cancer syndrome. Identifiers: Orphanet 145, MedGen C0677776, MeSH D061325, MONDO:0003582. Disease mechanism: loss of function.

Submissions (4):

Ambry Genetics
Classification: Uncertain significance for Hereditary cancer-predisposing syndrome. Last evaluated: 2026-04-06. Review status: criteria provided, single submitter. Criteria: Ambry Variant Classification Scheme 2023. Collection method: clinical testing. Allele origin: germline.
Comment: The p.E808D variant (also known as c.2424A>T), located in coding exon 10 of the BRCA2 gene, results from an A to T substitution at nucleotide position 2424. The glutamic acid at codon 808 is replaced by aspartic acid, an amino acid with highly similar properties. This amino acid position is well conserved in available vertebrate species. In addition, this alteration is predicted to be tolerated by in silico analysis. Based on the available evidence, the clinical significance of this variant remains unclear.

Labcorp Genetics (formerly Invitae), Labcorp
Classification: Uncertain significance for Hereditary breast ovarian cancer syndrome. Last evaluated: 2025-09-04. Review status: criteria provided, single submitter. Criteria: Invitae Variant Classification Sherloc (09022015). Collection method: clinical testing. Allele origin: germline.
Comment: This sequence change replaces glutamic acid, which is acidic and polar, with aspartic acid, which is acidic and polar, at codon 808 of the BRCA2 protein (p.Glu808Asp). This variant is not present in population databases (gnomAD no frequency). This missense change has been observed in individual(s) with breast cancer (PMID: 38709234). ClinVar contains an entry for this variant (Variation ID: 941130). Invitae Evidence Modeling of protein sequence and biophysical properties (such as structural, functional, and spatial information, amino acid conservation, physicochemical variation, residue mobility, and thermodynamic stability) indicates that this missense variant is not expected to disrupt BRCA2 protein function with a negative predictive value of 95%. In summary, the available evidence is currently insufficient to determine the role of this variant in disease. Therefore, it has been classified as a Variant of Uncertain Significance.

All of Us Research Program, National Institutes of Health
Classification: Uncertain significance for BRCA2-related cancer predisposition. Last evaluated: 2024-07-20. Review status: criteria provided, single submitter. Criteria: ACMG Guidelines, 2015. Collection method: clinical testing. Allele origin: germline. Inheritance: Autosomal dominant inheritance. Observed: 1 variant allele, 1 heterozygote.
Comment: This missense variant replaces glutamic acid with aspartic acid at codon 808 of the BRCA2 protein. Computational prediction suggests that this variant may not impact protein structure and function. To our knowledge, functional studies have not been reported for this variant. This variant has been reported in one individual affected with breast cancer (PMID: 38709234). This variant has not been identified in the general population by the Genome Aggregation Database (gnomAD). The available evidence is insufficient to determine the role of this variant in disease conclusively. Therefore, this variant is classified as a Variant of Uncertain Significance.

This study involves interpretation of variants in research participants for the purpose of population health screening. Participant phenotype was not available at the time of variant classification. Additional details can be found in publication PMID: 35346344, PMCID: PMC8962531

University of Washington Department of Laboratory Medicine, University of Washington
Classification: Likely benign for Hereditary cancer-predisposing syndrome. Last evaluated: 2023-03-23. Review status: criteria provided, single submitter. Criteria: Dines et al. (Genet Med. 2020). Collection method: curation. Allele origin: germline.
Comment: Missense variant in a coldspot region where missense variants are very unlikely to be pathogenic (PMID:31911673).

BRCA2 exon 11 coldspot. Reclassification based on statistical prior probability.

Literature cited by the submitters: PubMed 38709234 (cited by Labcorp Genetics (formerly Invitae), Labcorp and All of Us Research Program, National Institutes of Health).